The following is an entry in ClinVar:

ClinVar aggregate classification (germline): Uncertain significance. Review status: criteria provided, multiple submitters, no conflicts (2 of 4 stars). 2 submissions from 2 submitters: Uncertain significance (2). Last evaluated 2026-03-30.

Conditions:
Symmetrical dyschromatosis of extremities (DSH). Also called: DYSCHROMATOSIS SYMMETRICA HEREDITARIA 1; RETICULATE ACROPIGMENTATION OF DOHI; SYMMETRIC DYSCHROMATOSIS OF THE EXTREMITIES; Dyschromatosis symmetrica hereditaria. Identifiers: Orphanet 41, MedGen C0406775, MONDO:0007483, OMIM 127400.
Aicardi-Goutieres syndrome 6 (AGS6). Identifiers: Orphanet 51, MedGen C3539013, MONDO:0014007, OMIM 615010.

Allele frequency attached by ClinVar (database versions not stated): TOPMed 0.00002.

Submissions (2):

Women's Health and Genetics/Laboratory Corporation of America, LabCorp
Classification: Uncertain significance. Last evaluated: 2026-03-30. Review status: criteria provided, single submitter. Criteria: LabCorp Variant Classification Summary - May 2015. Collection method: clinical testing. Allele origin: germline.
Comment: Variant summary: ADAR c.2824C>T (p.Pro942Ser) results in a non-conservative amino acid change located in the tRNA-specific and double-stranded RNA adenosine deaminase (RNA-specific editase) domain (IPR002466) of the encoded protein sequence. Algorithms developed to predict the effect of missense changes on protein structure and function are either unavailable or do not agree on the potential impact of this missense change. The variant was absent in 251228 control chromosomes. The available data on variant occurrences in the general population are insufficient to allow any conclusion about variant significance. c.2824C>T has been observed in individual(s) affected with Symmetrical dyschromatosis of extremities. These report(s) do not provide unequivocal conclusions about association of the variant with Symmetrical dyschromatosis of extremities. To our knowledge, no experimental evidence demonstrating an impact on protein function has been reported. ClinVar contains an entry for this variant (Variation ID: 1402708). Based on the evidence outlined above, the variant was classified as uncertain significance.

Labcorp Genetics (formerly Invitae), Labcorp
Classification: Uncertain significance for Aicardi-Goutieres syndrome 6; Symmetrical dyschromatosis of extremities. Last evaluated: 2023-04-13. Review status: criteria provided, single submitter. Criteria: Invitae Variant Classification Sherloc (09022015). Collection method: clinical testing. Allele origin: germline.
Comment: ClinVar contains an entry for this variant (Variation ID: 1402708). Advanced modeling of protein sequence and biophysical properties (such as structural, functional, and spatial information, amino acid conservation, physicochemical variation, residue mobility, and thermodynamic stability) performed at Invitae indicates that this missense variant is not expected to disrupt ADAR protein function. In summary, the available evidence is currently insufficient to determine the role of this variant in disease. Therefore, it has been classified as a Variant of Uncertain Significance. This sequence change replaces proline, which is neutral and non-polar, with serine, which is neutral and polar, at codon 942 of the ADAR protein (p.Pro942Ser). This variant is not present in population databases (gnomAD no frequency). This variant has not been reported in the literature in individuals affected with ADAR-related conditions.

NM_001111.5(ADAR):c.2824C>T (p.Pro942Ser)

Gene: ADAR (adenosine deaminase RNA specific; minus strand). Cytogenetic location: 1q21.3.
Variant type: single nucleotide variant.
Coding change: c.2824C>T on transcript NM_001111.5 (MANE Select); coding-DNA position 2824, C replaced by T.
Protein change: p.Pro942Ser; replaces proline 942 with serine.
Molecular consequence: missense variant.
Genome position (GRCh38, 1-based): chr1:154,588,612, G>A on the plus strand (C>T on the coding strand, the complement: ADAR is on the minus strand). VCF-style: chr1-154588612-G-A. GRCh37 (hg19) VCF-style: chr1-154561088-G-A.
Other names: c.1939C>T, p.Pro647Ser (NM_001025107.3, NM_001193495.2, NM_001365046.1 and 2 more transcripts); c.2851C>T, p.Pro951Ser (NM_001365045.1); c.1861C>T, p.Pro621Ser (NM_001365049.1); c.2746C>T, p.Pro916Ser (NM_015840.4); c.2689C>T, p.Pro897Ser (NM_015841.4); short protein forms P897S, P621S, P916S, P942S, P647S, P951S.
Identifiers: ClinVar variation 1402708 (VCV001402708.9), dbSNP rs1054969472, ClinGen allele CA30852013.